The following is an entry in ClinVar:

NC_000018.9:g.(?_59755969)_(59770155_?)dup

Genes: PIGN (phosphatidylinositol glycan anchor biosynthesis class N; minus strand), LOC132090496 (Neanderthal introgressed variant-containing enhancer experimental_48670; plus strand). Cytogenetic location: 18q21.33.
Variant type: Duplication.
Identifiers: ClinVar variation 641553 (VCV000641553.6).

ClinVar aggregate classification (germline): Likely pathogenic (1 of 4 stars; one submission).

Conditions:
Multiple congenital anomalies-hypotonia-seizures syndrome 1 (MCAHS1). Also called: PIGN-CDG; Congenital disorder of glycosylation due to PIGN deficiency; GLYCOSYLPHOSPHATIDYLINOSITOL BIOSYNTHESIS DEFECT 3. Identifiers: Orphanet 280633, MedGen C3279775, MONDO:0013563, OMIM 614080.

Submission:

Labcorp Genetics (formerly Invitae), Labcorp
Classification: Likely pathogenic for Multiple congenital anomalies-hypotonia-seizures syndrome 1. Last evaluated: 2023-08-10. Review status: criteria provided, single submitter. Criteria: Invitae Variant Classification Sherloc (09022015). Collection method: clinical testing. Allele origin: germline.
Comment: This variant has not been reported in the literature in individuals affected with PIGN-related conditions. In summary, the currently available evidence indicates that the variant is pathogenic, but additional data are needed to prove that conclusively. Therefore, this variant has been classified as Likely Pathogenic. This variant results in a copy number gain of the genomic region encompassing exon(s) 21-25 of the PIGN gene. While the exact position of this variant cannot be determined from the data, sub-genic copy number gains are generally in tandem (PMID: 25640679). This variant is predicted to be out-of-frame, and may result in an absent or disrupted protein product. Loss-of-function variants in PIGN are known to be pathogenic (PMID: 24253414, 27038415).

Literature cited by the submitters: PubMed 25640679; PubMed 24253414; PubMed 27038415.